The following is an entry in ClinVar:

NM_001034853.2(RPGR):c.1796A>T (p.Asn599Ile)

Gene: RPGR (retinitis pigmentosa GTPase regulator; minus strand). Cytogenetic location: Xp11.4.
Variant type: single nucleotide variant.
Coding change: c.1796A>T on transcript NM_001034853.2 (MANE Select); coding-DNA position 1796, A replaced by T.
Protein change: p.Asn599Ile; replaces asparagine 599 with isoleucine.
Molecular consequence: missense variant. On other transcripts: non-coding transcript variant (2), intron variant (5).
Genome position (GRCh38, 1-based): chrX:38,287,203, T>A on the plus strand (A>T on the coding strand, the complement: RPGR is on the minus strand). VCF-style: chrX-38287203-T-A. GRCh37 (hg19) VCF-style: chrX-38146456-T-A.
Other names: c.1796A>T, p.Asn599Ile (NM_000328.3); c.1793A>T, p.Asn598Ile (NM_001367245.1); c.1610A>T, p.Asn537Ile (NM_001367246.1); c.1569+3756A>T (NM_001367249.1, NM_001367250.1); c.1386+3756A>T (NM_001367251.1); c.1572+3756A>T (NM_001367247.1); c.1602+3756A>T (NM_001367248.1); short protein forms N598I, N599I, N537I.
Identifiers: ClinVar variation 3711665 (VCV003711665.2).

ClinVar aggregate classification (germline): Uncertain significance (1 of 4 stars; one submission).

Conditions:
Primary ciliary dyskinesia. Also called: Ciliary dyskinesia. Identifiers: Orphanet 244, MedGen C0008780, MONDO:0016575, HP:0012265.

gnomAD v4.1: 2 of 1,211,028 alleles (0.00017%); highest among the groups gnomAD compares: Non-Finnish European, 0.00022%; no homozygotes.

Submission:

Labcorp Genetics (formerly Invitae), Labcorp
Classification: Uncertain significance for Primary ciliary dyskinesia. Last evaluated: 2024-12-23. Review status: criteria provided, single submitter. Criteria: Invitae Variant Classification Sherloc (09022015). Collection method: clinical testing. Allele origin: germline.
Comment: This sequence change replaces asparagine, which is neutral and polar, with isoleucine, which is neutral and non-polar, at codon 599 of the RPGR protein (p.Asn599Ile). This variant is present in population databases (rs776574633, gnomAD 0.001%). This variant has not been reported in the literature in individuals affected with RPGR-related conditions. Invitae Evidence Modeling of protein sequence and biophysical properties (such as structural, functional, and spatial information, amino acid conservation, physicochemical variation, residue mobility, and thermodynamic stability) indicates that this missense variant is not expected to disrupt RPGR protein function with a negative predictive value of 95%. In summary, the available evidence is currently insufficient to determine the role of this variant in disease. Therefore, it has been classified as a Variant of Uncertain Significance.